The following is an entry in ClinVar:

ClinVar aggregate classification (germline): Benign/Likely benign. Review status: criteria provided, multiple submitters, no conflicts (2 of 4 stars). 9 submissions from 8 submitters: Benign (8); Likely benign (1). Last evaluated 2026-02-04.

Conditions:
Retinitis pigmentosa (RP). Identifiers: Orphanet 791, MedGen C0035334, MeSH D012174, MONDO:0019200, OMIM 268000. Inheritance: Autosomal dominant, autosomal recessive and X linked inheritance.
Leber congenital amaurosis 4 (LCA4). Identifiers: MedGen C1858386, MONDO:0011458, OMIM 604393.

Allele frequency attached by ClinVar (database versions not stated): 1000 Genomes Project 0.57588; 1000 Genomes Project 30x 0.57808; ESP Exome Variant Server 0.60526; gnomAD 0.60839 and 0.61004; TOPMed 0.61061; ExAC 0.63459; gnomAD exomes 0.64602.
gnomAD v4.1: 1,037,003 of 1,613,462 alleles (64%); highest among the groups gnomAD compares: Middle Eastern, 78%; 335,818 homozygotes.

Submissions (9):

Labcorp Genetics (formerly Invitae), Labcorp
Classification: Benign for Leber congenital amaurosis 4. Last evaluated: 2026-02-04. Review status: criteria provided, single submitter. Criteria: Invitae Variant Classification Sherloc (09022015). Collection method: clinical testing. Allele origin: germline.

Women's Health and Genetics/Laboratory Corporation of America, LabCorp
Classification: Benign. Last evaluated: 2025-06-07. Review status: criteria provided, single submitter. Criteria: LabCorp Variant Classification Summary - May 2015. Collection method: clinical testing. Allele origin: germline.

ARUP Laboratories, Molecular Genetics and Genomics, ARUP Laboratories
Classification: Benign. Last evaluated: 2023-11-29. Review status: criteria provided, single submitter. Criteria: ARUP Molecular Germline Variant Investigation Process 2024. Collection method: clinical testing. Allele origin: germline.

Illumina Laboratory Services, Illumina
Classification: Benign for Retinitis pigmentosa. Last evaluated: 2018-01-13. Review status: criteria provided, single submitter. Criteria: ICSL Variant Classification Criteria 13 December 2019. Collection method: clinical testing. Allele origin: germline.
Comment: This variant was observed in the ICSL laboratory as part of a predisposition screen in an ostensibly healthy population. It had not been previously curated by ICSL or reported in the Human Gene Mutation Database (HGMD: prior to June 1st, 2018), and was therefore a candidate for classification through an automated scoring system. Utilizing variant allele frequency, disease prevalence and penetrance estimates, and inheritance mode, an automated score was calculated to assess if this variant is too frequent to cause the disease. Based on the score and internal cut-off values, a variant classified as benign is not then subjected to further curation. The score for this variant resulted in a classification of benign for this disease.

Illumina Laboratory Services, Illumina
Classification: Benign for Leber congenital amaurosis 4. Last evaluated: 2018-01-13. Review status: criteria provided, single submitter. Criteria: ICSL Variant Classification Criteria 13 December 2019. Collection method: clinical testing. Allele origin: germline.
Comment: the same text as in the submission from Illumina Laboratory Services, Illumina above.

GeneDx
Classification: Benign. Last evaluated: 2015-03-03. Review status: criteria provided, single submitter. Criteria: GeneDx Variant Classification Process June 2021. Collection method: clinical testing. Allele origin: germline. Affected: yes.

Eurofins Ntd Llc (ga)
Classification: Benign. Last evaluated: 2015-01-20. Review status: criteria provided, single submitter. Criteria: EGL Classification Definitions 2015. Collection method: clinical testing. Allele origin: germline. Observed: 5 variant alleles, 2 heterozygotes, 3 homozygotes.

Breakthrough Genomics
Classification: Likely benign. Review status: criteria provided, single submitter. Criteria: ACMG Guidelines, 2015. Collection method: not provided. Allele origin: germline. Inheritance: Autosomal recessive inheritance. Affected: yes.

PreventionGenetics, part of Exact Sciences
Classification: Benign. Review status: criteria provided, single submitter. Criteria: ACMG Guidelines, 2015. Collection method: clinical testing. Allele origin: germline.

NM_014336.5(AIPL1):c.300A>G (p.Leu100=)

Gene: AIPL1 (AIP like 1 HSP90 co-chaperone; minus strand). Cytogenetic location: 17p13.2.
Variant type: single nucleotide variant.
Coding change: c.300A>G on transcript NM_014336.5 (MANE Select); coding-DNA position 300, A replaced by G.
Protein change: p.Leu100=; no amino-acid change (leucine 100 retained).
Molecular consequence: synonymous variant. On other transcripts: intron variant (1).
Genome position (GRCh38, 1-based): chr17:6,428,483, T>C on the plus strand (A>G on the coding strand, the complement: AIPL1 is on the minus strand). VCF-style: chr17-6428483-T-C. GRCh37 (hg19) VCF-style: chr17-6331803-T-C.
Other names: c.120A>G, p.Leu40= (NM_001033055.3); c.264A>G, p.Leu88= (NM_001285399.3); c.234A>G, p.Leu78= (NM_001285400.3); c.300A>G, p.Leu100= (NM_001285401.3, NM_001285403.4); c.183A>G, p.Leu61= (NM_001285402.2); c.277-1426A>G (NM_001033054.3).
Identifiers: ClinVar variation 166655 (VCV000166655.34), dbSNP rs8075035, ClinGen allele CA179711.